The following is an entry in ClinVar:

ClinVar aggregate classification (germline): Uncertain significance (1 of 4 stars; one submission).

Submission:

Ambry Genetics
Classification: Uncertain significance. Last evaluated: 2025-11-15. Review status: criteria provided, single submitter. Criteria: Ambry Variant Classification Scheme 2023. Collection method: clinical testing. Allele origin: germline.
Comment: The p.T128S variant (also known as c.383C>G), located in coding exon 1 of the CDK12 gene, results from a C to G substitution at nucleotide position 383. The threonine at codon 128 is replaced by serine, an amino acid with similar properties. This amino acid position is conserved. In addition, this alteration is predicted to be tolerated by in silico analysis. Based on the available evidence, the clinical significance of this variant remains unclear.

NM_016507.4(CDK12):c.383C>G (p.Thr128Ser)

Genes: CDK12 (cyclin dependent kinase 12; plus strand), LOC126862553 (CDK7 strongly-dependent group 2 enhancer GRCh37_chr17:37618166-37619365; plus strand). Cytogenetic location: 17q12.
Variant type: single nucleotide variant.
Coding change: c.383C>G on transcript NM_016507.4 (MANE Select); coding-DNA position 383, C replaced by G.
Protein change: p.Thr128Ser; replaces threonine 128 with serine.
Molecular consequence: missense variant.
Genome position (GRCh38, 1-based): chr17:39,462,454, C>G. VCF-style: chr17-39462454-C-G. GRCh37 (hg19) VCF-style: chr17-37618707-C-G.
Other names: c.383C>G, p.Thr128Ser (NM_015083.4); short protein forms T128S.
Identifiers: ClinVar variation 4651446 (VCV004651446.1).